The following is an entry in ClinVar:

NM_000548.5(TSC2):c.1717-5T>A

Gene: TSC2 (TSC complex subunit 2; plus strand). Cytogenetic location: 16p13.3.
Variant type: single nucleotide variant.
Coding change: c.1717-5T>A on transcript NM_000548.5 (MANE Select); 5 bases into the intron before coding-DNA position 1717, T replaced by A.
Molecular consequence: intron variant.
Genome position (GRCh38, 1-based): chr16:2,070,451, T>A. VCF-style: chr16-2070451-T-A. GRCh37 (hg19) VCF-style: chr16-2120452-T-A.
Other names: c.1717-5T>A (NM_001114382.3, NM_021055.3, NM_001370405.1 and 3 more transcripts); c.1606-5T>A (NM_001318827.2); c.1117-5T>A (NM_001318831.2); c.1570-5T>A (NM_001318829.2); c.1750-5T>A (NM_001318832.2).
Identifiers: ClinVar variation 1015688 (VCV001015688.8), dbSNP rs2088113456, ClinGen allele CA2202017400.
Genomic context (GRCh38, chr16:2,070,451, plus strand): 5'-GGGTGCTGTCTTAGGACTGCGTTTTCACCTCCTGCGCCGTGGTGAGCTGCGTCCTCTCTC[T>A]GCAGACCAAGCTGTACACCCTGCCTGCAAGCCACGCCACGCGTGTGTATGAGATGCTGGT-3'

ClinVar aggregate classification (germline): Uncertain significance (1 of 4 stars; one submission).

Conditions:
Tuberous sclerosis 2 (TSC2). Identifiers: Orphanet 805, MedGen C1860707, MONDO:0013199, OMIM 613254.

gnomAD v4.1: 1 of 1,613,396 alleles (0.000062%); no homozygotes.

Submission:

Labcorp Genetics (formerly Invitae), Labcorp
Classification: Uncertain significance for Tuberous sclerosis 2. Last evaluated: 2025-12-04. Review status: criteria provided, single submitter. Criteria: Invitae Variant Classification Sherloc (09022015). Collection method: clinical testing. Allele origin: germline.
Comment: This sequence change falls in intron 16 of the TSC2 gene. It does not directly change the encoded amino acid sequence of the TSC2 protein. This variant is not present in population databases (gnomAD no frequency). This variant has not been reported in the literature in individuals affected with TSC2-related conditions. ClinVar contains an entry for this variant (Variation ID: 1015688). Algorithms developed to predict the effect of sequence changes on RNA splicing suggest that this variant may disrupt the consensus splice site. In summary, the available evidence is currently insufficient to determine the role of this variant in disease. Therefore, it has been classified as a Variant of Uncertain Significance.